The following is an entry in ClinVar:

ClinVar aggregate classification (germline): Uncertain significance. Review status: criteria provided, multiple submitters, no conflicts (2 of 4 stars). 3 submissions from 3 submitters: Uncertain significance (3). Last evaluated 2023-10-13.

Conditions:
Inborn genetic diseases. Identifiers: MedGen C0950123, MeSH D030342.
Intellectual developmental disorder, X-linked, syndromic, Hedera type. Also called: Syndromic X-linked intellectual disability Hedera type. Identifiers: Orphanet 93952, MedGen C1845543, MONDO:0010319, OMIM 300423.

Allele frequency attached by ClinVar (database versions not stated): gnomAD 0.00001; gnomAD exomes 0.00001; TOPMed 0.00001; ExAC 0.00002.
gnomAD v4.1: 7 of 1,208,743 alleles (0.00058%); highest among the groups gnomAD compares: Admixed American, 0.011%; no homozygotes.

Submissions (3):

Labcorp Genetics (formerly Invitae), Labcorp
Classification: Uncertain significance for Intellectual developmental disorder, X-linked, syndromic, Hedera type. Last evaluated: 2023-10-13. Review status: criteria provided, single submitter. Criteria: Invitae Variant Classification Sherloc (09022015). Collection method: clinical testing. Allele origin: germline.
Comment: This sequence change replaces arginine, which is basic and polar, with histidine, which is basic and polar, at codon 199 of the ATP6AP2 protein (p.Arg199His). This variant is present in population databases (rs751433380, gnomAD 0.008%). This variant has not been reported in the literature in individuals affected with ATP6AP2-related conditions. ClinVar contains an entry for this variant (Variation ID: 204918). Advanced modeling of protein sequence and biophysical properties (such as structural, functional, and spatial information, amino acid conservation, physicochemical variation, residue mobility, and thermodynamic stability) performed at Invitae indicates that this missense variant is not expected to disrupt ATP6AP2 protein function. In summary, the available evidence is currently insufficient to determine the role of this variant in disease. Therefore, it has been classified as a Variant of Uncertain Significance.

Ambry Genetics
Classification: Uncertain significance for Inborn genetic diseases. Last evaluated: 2022-05-18. Review status: criteria provided, single submitter. Criteria: Ambry Variant Classification Scheme 2023. Collection method: clinical testing. Allele origin: germline.

GeneDx
Classification: Uncertain significance. Last evaluated: 2013-12-01. Review status: criteria provided, single submitter. Criteria: GeneDx Variant Classification (06012015). Collection method: clinical testing. Allele origin: germline. Affected: yes.
Comment: p.Arg199His (CGT>CAT): c.596 G>A in exon 7 of the ATP6AP2 gene (NM_005765.2). The Arg199His missense change in the ATP6AP2 gene has not been published as a mutation, nor has it been reported as a benign polymorphism to our knowledge. It was not observed in approximately 5,400 individuals of European and African American ancestry in the NHLBI Exome Sequencing Project, indicating it is not a common benign variant in these populations. This variant is a conservative substitution of one positively charged amino acid for another at a position that is not highly conserved across species. In silico analysis is inconsistent with regard to the effect this variant may have on the protein structure/function. Therefore, based on the currently available information, it is unclear whether Arg199His is a disease-causing mutation or a rare benign variant. The variant is found in INFANT-EPI panel(s).

NM_005765.3(ATP6AP2):c.596G>A (p.Arg199His)

Gene: ATP6AP2 (ATPase H+ transporting accessory protein 2; plus strand). Cytogenetic location: Xp11.4.
Variant type: single nucleotide variant.
Coding change: c.596G>A on transcript NM_005765.3 (MANE Select); coding-DNA position 596, G replaced by A.
Protein change: p.Arg199His; replaces arginine 199 with histidine.
Molecular consequence: missense variant.
Genome position (GRCh38, 1-based): chrX:40,599,599, G>A. VCF-style: chrX-40599599-G-A. GRCh37 (hg19) VCF-style: chrX-40458851-G-A.
Other names: p.R199H:CGT>CAT; short protein forms R199H.
Identifiers: ClinVar variation 204918 (VCV000204918.11), dbSNP rs751433380, ClinGen allele CA313365.